The following is an entry in ClinVar:

ClinVar aggregate classification (germline): Conflicting classifications of pathogenicity. Review status: criteria provided, conflicting classifications (1 of 4 stars). 3 submissions from 3 submitters: Uncertain significance (1); Likely benign (2). Last evaluated 2026-02-01.

Conditions:
Microcephaly 5, primary, autosomal recessive (MCPH5). Also called: ASPM Primary Microcephaly. Identifiers: Orphanet 2512, MedGen C1837501, MONDO:0012106, OMIM 608716.

Allele frequency attached by ClinVar (database versions not stated): TOPMed 0.00006; gnomAD 0.00007 and 0.00009; gnomAD exomes 0.00008 and 0.00014; ExAC 0.00015; 1000 Genomes Project 30x 0.00016.
gnomAD v4.1: 131 of 1,614,072 alleles (0.0081%); highest among the groups gnomAD compares: South Asian, 0.072%; no homozygotes.

Submissions (3):

CeGaT Center for Human Genetics Tuebingen
Classification: Likely benign. Last evaluated: 2026-02-01. Review status: criteria provided, single submitter. Criteria: CeGaT Center For Human Genetics Tuebingen Variant Classification Criteria Version 2. Collection method: clinical testing. Allele origin: germline. Affected: yes. Observed: 1 variant allele.
Comment: ASPM: BP4, BP7

Labcorp Genetics (formerly Invitae), Labcorp
Classification: Likely benign. Last evaluated: 2025-07-21. Review status: criteria provided, single submitter. Criteria: Invitae Variant Classification Sherloc (09022015). Collection method: clinical testing. Allele origin: germline.

Illumina Laboratory Services, Illumina
Classification: Uncertain significance for Microcephaly 5, primary, autosomal recessive. Last evaluated: 2018-01-12. Review status: criteria provided, single submitter. Criteria: ICSL Variant Classification Criteria 13 December 2019. Collection method: clinical testing. Allele origin: germline.

NM_018136.5(ASPM):c.135C>T (p.Cys45=)

Genes: ASPM (assembly factor for spindle microtubules; minus strand), LOC129932155 (ATAC-STARR-seq lymphoblastoid silent region 1659; plus strand). Cytogenetic location: 1q31.3.
Variant type: single nucleotide variant.
Coding change: c.135C>T on transcript NM_018136.5 (MANE Select); coding-DNA position 135, C replaced by T.
Protein change: p.Cys45=; no amino-acid change (cysteine 45 retained).
Molecular consequence: synonymous variant.
Genome position (GRCh38, 1-based): chr1:197,146,303, G>A on the plus strand (C>T on the coding strand, the complement: ASPM is on the minus strand). VCF-style: chr1-197146303-G-A. GRCh37 (hg19) VCF-style: chr1-197115433-G-A.
Other names: c.135C>T, p.Cys45= (NM_001206846.2).
Identifiers: ClinVar variation 874210 (VCV000874210.11), dbSNP rs200874183, ClinGen allele CA1310957.
Genomic context (GRCh38, chr1:197,146,303, plus strand): 5'-CAGAGACAGCGTCCGTGAGGCTCCCAGGAGAACGTCCCCGAAGCAAAGGAAAGGAGACCT[G>A]CAGAAGTGGCTGAGAGACAGGACCGGCGGGGAAGACGCCTCCTCCTCGGCCGCGGGGCCC-3'
Protein context (NP_060606.3, residues 35-55): SPPVLSLSHF[Cys45=]RSPFLCFGDV